The following is an entry in ClinVar:

ClinVar aggregate classification (germline): Uncertain significance (1 of 4 stars; one submission).

Conditions:
Mosaic variegated aneuploidy syndrome 1 (MVA1). Also called: Warburton-Anyane-Yeboa syndrome. Identifiers: Orphanet 1052, MedGen C1850343, MONDO:0009759, OMIM 257300.

Allele frequency attached by ClinVar (database versions not stated): gnomAD exomes 0.00002; TOPMed 0.00001; ExAC 0.00002; gnomAD 0.00003.
gnomAD v4.1: 30 of 1,613,252 alleles (0.0019%); highest among the groups gnomAD compares: Non-Finnish European, 0.0023%; 1 homozygote.

Submissions (2):

Labcorp Genetics (formerly Invitae), Labcorp
Classification: Uncertain significance for Mosaic variegated aneuploidy syndrome 1. Last evaluated: 2023-10-29. Review status: criteria provided, single submitter. Criteria: Invitae Variant Classification Sherloc (09022015). Collection method: clinical testing. Allele origin: germline.
Comment: This sequence change falls in intron 9 of the BUB1B gene. It does not directly change the encoded amino acid sequence of the BUB1B protein. It affects a nucleotide within the consensus splice site. This variant is present in population databases (rs770077868, gnomAD 0.006%), including at least one homozygous and/or hemizygous individual. This variant has been observed in individual(s) with mosaic variegated aneuploidy (PMID: 31053147). In at least one individual the data is consistent with being in trans (on the opposite chromosome) from a pathogenic variant. ClinVar contains an entry for this variant (Variation ID: 533898). Variants that disrupt the consensus splice site are a relatively common cause of aberrant splicing (PMID: 17576681, 9536098). Algorithms developed to predict the effect of sequence changes on RNA splicing suggest that this variant may disrupt the consensus splice site. In summary, the available evidence is currently insufficient to determine the role of this variant in disease. Therefore, it has been classified as a Variant of Uncertain Significance.

Dr. Peter K. Rogan Lab, Western University
No classification provided (evidence only). Condition: Lung cancer. Review status: no classification provided. Collection method: in vitro. Allele origin: not applicable. Functional consequence: retained intron. Not counted in ClinVar's aggregate classification.

Literature cited by the submitters: PubMed 31053147 (cited by Labcorp Genetics (formerly Invitae), Labcorp); PubMed 17576681 (cited by Labcorp Genetics (formerly Invitae), Labcorp); PubMed 9536098 (cited by Labcorp Genetics (formerly Invitae), Labcorp).

NM_001211.6(BUB1B):c.1288+5G>A

Gene: BUB1B (BUB1 mitotic checkpoint serine/threonine kinase B; plus strand). Cytogenetic location: 15q15.1.
Variant type: single nucleotide variant.
Coding change: c.1288+5G>A on transcript NM_001211.6 (MANE Select); 5 bases into the intron after coding-DNA position 1288, G replaced by A.
Molecular consequence: intron variant.
Genome position (GRCh38, 1-based): chr15:40,196,779, G>A. VCF-style: chr15-40196779-G-A. GRCh37 (hg19) VCF-style: chr15-40488980-G-A.
Identifiers: ClinVar variation 533898 (VCV000533898.11), dbSNP rs770077868, ClinGen allele CA7475683.